The following is an entry in ClinVar:

ClinVar aggregate classification (germline): Uncertain significance. Review status: criteria provided, multiple submitters, no conflicts (2 of 4 stars). 3 submissions from 3 submitters: Uncertain significance (3). Last evaluated 2022-07-26.

Conditions:
Inborn genetic diseases. Identifiers: MedGen C0950123, MeSH D030342.

Allele frequency attached by ClinVar (database versions not stated): ExAC 0.00003; gnomAD 0.00004; gnomAD exomes 0.00005 and 0.00002; TOPMed 0.00005.
gnomAD v4.1: 77 of 1,602,834 alleles (0.0048%); highest among the groups gnomAD compares: Non-Finnish European, 0.0061%; no homozygotes.

Submissions (3):

Labcorp Genetics (formerly Invitae), Labcorp
Classification: Uncertain significance. Last evaluated: 2022-07-26. Review status: criteria provided, single submitter. Criteria: Invitae Variant Classification Sherloc (09022015). Collection method: clinical testing. Allele origin: germline.
Comment: This sequence change replaces threonine, which is neutral and polar, with methionine, which is neutral and non-polar, at codon 3315 of the HSPG2 protein (p.Thr3315Met). This variant is present in population databases (rs762381842, gnomAD 0.004%). This variant has not been reported in the literature in individuals affected with HSPG2-related conditions. ClinVar contains an entry for this variant (Variation ID: 447570). Algorithms developed to predict the effect of missense changes on protein structure and function output the following: SIFT: "Tolerated"; PolyPhen-2: "Benign"; Align-GVGD: "Class C0". The methionine amino acid residue is found in multiple mammalian species, which suggests that this missense change does not adversely affect protein function. In summary, the available evidence is currently insufficient to determine the role of this variant in disease. Therefore, it has been classified as a Variant of Uncertain Significance.

Ambry Genetics
Classification: Uncertain significance for Inborn genetic diseases. Last evaluated: 2022-06-24. Review status: criteria provided, single submitter. Criteria: Ambry Variant Classification Scheme 2023. Collection method: clinical testing. Allele origin: germline.

Athena Diagnostics
Classification: Uncertain significance. Last evaluated: 2016-11-29. Review status: criteria provided, single submitter. Criteria: Athena Diagnostics Criteria. Collection method: clinical testing. Allele origin: germline.

NM_005529.7(HSPG2):c.9944C>T (p.Thr3315Met)

Gene: HSPG2 (heparan sulfate proteoglycan 2; minus strand). Cytogenetic location: 1p36.12.
Variant type: single nucleotide variant.
Coding change: c.9944C>T on transcript NM_005529.7 (MANE Select); coding-DNA position 9944, C replaced by T.
Protein change: p.Thr3315Met; replaces threonine 3315 with methionine.
Molecular consequence: missense variant.
Genome position (GRCh38, 1-based): chr1:21,839,031, G>A on the plus strand (C>T on the coding strand, the complement: HSPG2 is on the minus strand). VCF-style: chr1-21839031-G-A. GRCh37 (hg19) VCF-style: chr1-22165524-G-A.
Other names: c.9947C>T, p.Thr3316Met (NM_001291860.2); c.9944C>T (NM_005529.5); short protein forms T3315M, T3316M.
Identifiers: ClinVar variation 447570 (VCV000447570.4), dbSNP rs762381842, ClinGen allele CA670262.